The following is an entry in ClinVar:

ClinVar aggregate classification (germline): Uncertain significance (1 of 4 stars; one submission).

Conditions:
Spondyloenchondrodysplasia with immune dysregulation (SPENCDI). Also called: COMBINED IMMUNODEFICIENCY WITH AUTOIMMUNITY AND SPONDYLOMETAPHYSEAL DYSPLASIA; ROIFMAN IMMUNOSKELETAL SYNDROME; SPONDYLOENCHONDRODYSPLASIA WITH OR WITHOUT IMMUNE DYSREGULATION. Identifiers: Orphanet 1855, MedGen C1842763, MONDO:0011939, OMIM 607944.

Submission:

Labcorp Genetics (formerly Invitae), Labcorp
Classification: Uncertain significance for Spondyloenchondrodysplasia with immune dysregulation. Last evaluated: 2022-08-12. Review status: criteria provided, single submitter. Criteria: Invitae Variant Classification Sherloc (09022015). Collection method: clinical testing. Allele origin: germline.
Comment: This sequence change falls in intron 4 of the ACP5 gene. It does not directly change the encoded amino acid sequence of the ACP5 protein. This variant is present in population databases (no rsID available, gnomAD 0.003%). This variant has not been reported in the literature in individuals affected with ACP5-related conditions. Algorithms developed to predict the effect of sequence changes on RNA splicing suggest that this variant may disrupt the consensus splice site. In summary, the available evidence is currently insufficient to determine the role of this variant in disease. Therefore, it has been classified as a Variant of Uncertain Significance.

NM_001611.5(ACP5):c.262-15_262-12del

Gene: ACP5 (acid phosphatase 5, tartrate resistant; minus strand). Cytogenetic location: 19p13.2.
Variant type: Deletion.
Coding change: c.262-15_262-12del on transcript NM_001611.5 (MANE Select); 15 bases into the intron before coding-DNA position 262 through 12 bases into the intron before coding-DNA position 262, 4 bases deleted (ATCT; older notation c.262-15_262-12delATCT).
Molecular consequence: intron variant.
Genome position (GRCh38, 1-based): chr19:11,576,855-11,576,858, AGAT deleted on the plus strand (ATCT on the coding strand, the reverse complement: ACP5 is on the minus strand); deleting any 4 consecutive bases within chr19:11,576,855-11,576,860 gives the same sequence; the c. name uses the placement nearest the transcript's 3' end. VCF-style (leftmost placement, unchanged base first): chr19-11576854-CAGAT-C. GRCh37 (hg19) VCF-style: chr19-11687669-CAGAT-C.
Other names: c.262-15_262-12del (NM_001111036.3, NM_001111035.3, NM_001111034.3 and 1 more transcripts).
Identifiers: ClinVar variation 1992238 (VCV001992238.4), dbSNP rs1187865631, ClinGen allele CA632117985.